The following is an entry in ClinVar:

NM_022166.4(XYLT1):c.1848G>C (p.Leu616=)

Genes: XYLT1 (xylosyltransferase 1; minus strand), LOC102723692 (uncharacterized LOC102723692; plus strand). Cytogenetic location: 16p12.3.
Variant type: single nucleotide variant.
Coding change: c.1848G>C on transcript NM_022166.4 (MANE Select); coding-DNA position 1848, G replaced by C.
Protein change: p.Leu616=; no amino-acid change (leucine 616 retained).
Molecular consequence: synonymous variant.
Genome position (GRCh38, 1-based): chr16:17,134,652, C>G on the plus strand (G>C on the coding strand, the complement: XYLT1 is on the minus strand). VCF-style: chr16-17134652-C-G. GRCh37 (hg19) VCF-style: chr16-17228509-C-G.
Identifiers: ClinVar variation 1577454 (VCV001577454.11), dbSNP rs150301505, ClinGen allele CA7927751.

ClinVar aggregate classification (germline): Benign/Likely benign. Review status: criteria provided, multiple submitters, no conflicts (2 of 4 stars). 3 submissions from 3 submitters: Benign (1); Likely benign (2). Last evaluated 2026-05-01.

Conditions:
Desbuquois dysplasia 1 (DBQD1). Also called: DESBUQUOIS DYSPLASIA 1, KIM VARIANT; MICROMELIC DWARFISM WITH VERTEBRAL AND METAPHYSEAL ABNORMALITIES AND ADVANCED CARPOTARSAL OSSIFICATION. Identifiers: Orphanet 1425, MedGen C4012146, MONDO:0009629, OMIM 251450.

Allele frequency attached by ClinVar (database versions not stated): gnomAD exomes 0.00021 and 0.00060; ExAC 0.00091; gnomAD 0.00242 and 0.00258; ESP Exome Variant Server 0.00254; 1000 Genomes Project 0.00260; 1000 Genomes Project 30x 0.00265; TOPMed 0.00269.
gnomAD v4.1: 696 of 1,614,176 alleles (0.043%); highest among the groups gnomAD compares: African/African-American, 0.79%; 2 homozygotes.

Submissions (3):

CeGaT Center for Human Genetics Tuebingen
Classification: Likely benign. Last evaluated: 2026-05-01. Review status: criteria provided, single submitter. Criteria: CeGaT Center For Human Genetics Tuebingen Variant Classification Criteria Version 2. Collection method: clinical testing. Allele origin: germline. Affected: yes. Observed: 1 variant allele.
Comment: XYLT1: BP4, BP7

Labcorp Genetics (formerly Invitae), Labcorp
Classification: Benign for Desbuquois dysplasia 1. Last evaluated: 2026-01-26. Review status: criteria provided, single submitter. Criteria: Invitae Variant Classification Sherloc (09022015). Collection method: clinical testing. Allele origin: germline.

Blueprint Genetics
Classification: Likely benign. Last evaluated: 2024-10-02. Review status: criteria provided, single submitter. Criteria: ACMG Guidelines, 2015. Collection method: clinical testing. Allele origin: germline.